The following is an entry in ClinVar:

NM_018979.4(WNK1):c.4233C>T (p.Ser1411=)

Gene: WNK1 (WNK lysine deficient protein kinase 1; plus strand). Cytogenetic location: 12p13.33.
Variant type: single nucleotide variant.
Coding change: c.4233C>T on transcript NM_018979.4 (MANE Select); coding-DNA position 4233, C replaced by T.
Protein change: p.Ser1411=; no amino-acid change (serine 1411 retained).
Molecular consequence: synonymous variant.
Genome position (GRCh38, 1-based): chr12:885,037, C>T. VCF-style: chr12-885037-C-T. GRCh37 (hg19) VCF-style: chr12-994203-C-T.
Other names: c.4233C>T (NM_018979.3); c.5013C>T, p.Ser1671= (NM_001184985.2); c.3492C>T, p.Ser1164= (NM_014823.3); c.4989C>T, p.Ser1663= (NM_213655.5).
Identifiers: ClinVar variation 1652440 (VCV001652440.9), dbSNP rs149295230, ClinGen allele CA231479106.
Genomic context (GRCh38, chr12:885,037, plus strand): 5'-TGTGGTAACTTCAGGTGGTCTCCCCATACCACCTGTGTCTGAATCACCAGTACTTTCCAG[C>T]GTAGTTTCAAGTATCACAATACCTGCAGTTGTCTCAATATCTACTACATCCCCGTCACTT-3'
Protein context (NP_061852.3, residues 1401-1421): PPVSESPVLS[Ser1411=]VVSSITIPAV

ClinVar aggregate classification (germline): Likely benign. Review status: criteria provided, multiple submitters, no conflicts (2 of 4 stars). 2 submissions from 2 submitters: Likely benign (2). Last evaluated 2025-07-29.

Conditions:
Neuropathy, hereditary sensory and autonomic, type 2A (HSAN2A). Also called: MORVAN DISEASE; NEUROPATHY, CONGENITAL SENSORY; NEUROPATHY, HEREDITARY SENSORY RADICULAR, AUTOSOMAL RECESSIVE; NEUROPATHY, HEREDITARY SENSORY, TYPE IIA; NEUROPATHY, PROGRESSIVE SENSORY, OF CHILDREN; WNK1-Related HSAN2 (HSAN2A). Identifiers: Orphanet 970, MedGen C2752089, MONDO:0024309, OMIM 201300.
Pseudohypoaldosteronism type 2C (PHA2C). Also called: Pseudohypoaldosteronism Type IIC. Identifiers: Orphanet 757, Orphanet 88940, MedGen C1840391, MONDO:0013778, OMIM 614492.
WNK1-related disorder. Also called: WNK1-related condition.

Allele frequency attached by ClinVar (database versions not stated): gnomAD 0.00001; gnomAD exomes 0.00002; TOPMed 0.00002; ESP Exome Variant Server 0.00008.
gnomAD v4.1: 20 of 1,614,070 alleles (0.0012%); highest among the groups gnomAD compares: African/African-American, 0.0067%; no homozygotes.

Submissions (2):

PreventionGenetics, part of Exact Sciences
Classification: Likely benign for WNK1-related condition. Last evaluated: 2025-07-29. Review status: criteria provided, single submitter. Criteria: ACMG Guidelines, 2015. Collection method: clinical testing. Allele origin: germline.
Comment: This variant is classified as likely benign based on ACMG/AMP sequence variant interpretation guidelines (Richards et al. 2015 PMID: 25741868, with internal and published modifications).

Labcorp Genetics (formerly Invitae), Labcorp
Classification: Likely benign for Neuropathy, hereditary sensory and autonomic, type 2A; Pseudohypoaldosteronism type 2C. Last evaluated: 2024-04-22. Review status: criteria provided, single submitter. Criteria: Invitae Variant Classification Sherloc (09022015). Collection method: clinical testing. Allele origin: germline.